The following is an entry in ClinVar:

NM_000047.3(ARSL):c.777C>G (p.His259Gln)

Gene: ARSL (arylsulfatase L; minus strand). Cytogenetic location: Xp22.33.
Variant type: single nucleotide variant.
Coding change: c.777C>G on transcript NM_000047.3 (MANE Select); coding-DNA position 777, C replaced by G.
Protein change: p.His259Gln; replaces histidine 259 with glutamine.
Molecular consequence: missense variant.
Genome position (GRCh38, 1-based): chrX:2,949,381, G>C on the plus strand (C>G on the coding strand, the complement: ARSL is on the minus strand). VCF-style: chrX-2949381-G-C. GRCh37 (hg19) VCF-style: chrX-2867422-G-C.
Other names: c.852C>G, p.His284Gln (NM_001282628.2, NM_001369080.1); c.615C>G, p.His205Gln (NM_001282631.2); c.804C>G, p.His268Gln (NM_001369079.1); c.777C>G (NM_000047.2); short protein forms H259Q, H205Q, H268Q, H284Q.
Identifiers: ClinVar variation 2173159 (VCV002173159.2), dbSNP rs755064045, ClinGen allele CA10338148.

ClinVar aggregate classification (germline): Uncertain significance. Review status: criteria provided, multiple submitters, no conflicts (2 of 4 stars). 2 submissions from 2 submitters: Uncertain significance (2). Last evaluated 2024-07-30.

Conditions:
Inborn genetic diseases. Identifiers: MedGen C0950123, MeSH D030342.
Chondrodysplasia punctata, brachytelephalangic, autosomal. Also called: BRACHYTELEPHALANGIC CHONDRODYSPLASIA PUNCTATA. Identifiers: MedGen C1844853, MONDO:0011238, OMIM 602497.

Allele frequency attached by ClinVar (database versions not stated): ExAC 0.00001; TOPMed 0.00001; gnomAD 0.00003.
gnomAD v4.1: 31 of 1,209,348 alleles (0.0026%); highest among the groups gnomAD compares: Non-Finnish European, 0.0031%; no homozygotes.

Submissions (2):

Ambry Genetics
Classification: Uncertain significance for Inborn genetic diseases. Last evaluated: 2024-07-30. Review status: criteria provided, single submitter. Criteria: Ambry Variant Classification Scheme 2023. Collection method: clinical testing. Allele origin: germline.

Labcorp Genetics (formerly Invitae), Labcorp
Classification: Uncertain significance for Chondrodysplasia punctata, brachytelephalangic, autosomal. Last evaluated: 2022-06-02. Review status: criteria provided, single submitter. Criteria: Invitae Variant Classification Sherloc (09022015). Collection method: clinical testing. Allele origin: germline.
Comment: This sequence change replaces histidine, which is basic and polar, with glutamine, which is neutral and polar, at codon 259 of the ARSE protein (p.His259Gln). This variant is present in population databases (rs755064045, gnomAD 0.003%). This variant has not been reported in the literature in individuals affected with ARSE-related conditions. Algorithms developed to predict the effect of missense changes on protein structure and function (SIFT, PolyPhen-2, Align-GVGD) all suggest that this variant is likely to be tolerated. In summary, the available evidence is currently insufficient to determine the role of this variant in disease. Therefore, it has been classified as a Variant of Uncertain Significance.